The following is an entry in ClinVar:

NM_001267550.2(TTN):c.38200C>G (p.Pro12734Ala)

Gene: TTN (titin; minus strand). Cytogenetic location: 2q31.2.
Variant type: single nucleotide variant.
Coding change: c.38200C>G on transcript NM_001267550.2 (MANE Select); coding-DNA position 38200, C replaced by G.
Protein change: p.Pro12734Ala; replaces proline 12734 with alanine.
Molecular consequence: missense variant. On other transcripts: intron variant (5).
Genome position (GRCh38, 1-based): chr2:178,654,751, G>C on the plus strand (C>G on the coding strand, the complement: TTN is on the minus strand). VCF-style: chr2-178654751-G-C. GRCh37 (hg19) VCF-style: chr2-179519478-G-C.
Other names: c.13283-12434C>G (NM_003319.4); c.13859-12434C>G (NM_133437.4); c.13658-12434C>G (NM_133432.3); c.31742-2210C>G (NM_133378.4); c.34523-2210C>G (NM_001256850.1); short protein forms P12734A.
Identifiers: ClinVar variation 4990461 (VCV004990461.1).
Genomic context (GRCh38, chr2:178,654,751, plus strand): 5'-CTAGTTAAAATAACAGTTATTTTTCTCCTATAGTTTGTATAGCTTTGGCATTACCTTCAG[G>C]GGGAGGACTTTCCGGTTTGGGAGGAATAGCTTCAGGCACCTTCTTTTCTGGGACAGCTGC-3'
Protein context (NP_001254479.2, residues 12724-12744): AIPPKPESPP[Pro12734Ala]EVPEVLPPKE

ClinVar aggregate classification (germline): Uncertain significance (1 of 4 stars; one submission).

Conditions:
TTN-related disorder. Also called: TTN-related disorders; TTN-related condition; TTN-related disease.

Submission:

PreventionGenetics, part of Exact Sciences
Classification: Uncertain significance for TTN-related condition. Last evaluated: 2026-04-13. Review status: criteria provided, single submitter. Criteria: ACMG Guidelines, 2015. Collection method: clinical testing. Allele origin: germline.
Comment: The TTN c.38200C>G variant is predicted to result in the amino acid substitution p.Pro12734Ala. To our knowledge, this variant has not been reported in the literature. This variant is reported in 0.028% of alleles in individuals of South Asian descent in gnomAD. At this time, the clinical significance of this variant is uncertain due to the absence of conclusive functional and genetic evidence.